The following is an entry in ClinVar:

NM_001987.5(ETV6):c.196_197del (p.Val66fs)

Genes: ETV6 (ETS variant transcription factor 6; plus strand), LOC126861451 (BRD4-independent group 4 enhancer GRCh37_chr12:11991350-11992549; plus strand). Cytogenetic location: 12p13.2.
Variant type: Deletion.
Coding change: c.196_197del on transcript NM_001987.5 (MANE Select); coding-DNA positions 196 to 197, 2 bases deleted (GT; older notation c.196_197delGT).
Protein change: p.Val66fs; shifts the reading frame from valine 66.
Molecular consequence: frameshift variant. On other transcripts: 5 prime UTR variant (1).
Genome position (GRCh38, 1-based): chr12:11,839,172-11,839,173, GT deleted. VCF-style (leftmost placement, unchanged base first): chr12-11839171-CGT-C. GRCh37 (hg19) VCF-style: chr12-11992105-CGT-C.
Other names: c.193_194del, p.Val65fs (NM_001413913.1); c.169_170del, p.Val57fs (NM_001413914.1); c.-69_-68del (NM_001413915.1); c.196_197del, p.Val66fs (NM_001413916.1, NM_001413917.1, NM_001413918.1); short protein forms V66fs, V57fs, V65fs.
Identifiers: ClinVar variation 2856371 (VCV002856371.3), dbSNP rs2497924887, ClinGen allele CA2739271867.

ClinVar aggregate classification (germline): Pathogenic (1 of 4 stars; one submission).

Submission:

Labcorp Genetics (formerly Invitae), Labcorp
Classification: Pathogenic. Last evaluated: 2024-04-17. Review status: criteria provided, single submitter. Criteria: Invitae Variant Classification Sherloc (09022015). Collection method: clinical testing. Allele origin: germline.
Comment: This sequence change creates a premature translational stop signal (p.Val66Serfs*8) in the ETV6 gene. It is expected to result in an absent or disrupted protein product. Loss-of-function variants in ETV6 are known to be pathogenic (PMID: 26102509, 27365488, 29034503). This variant is not present in population databases (gnomAD no frequency). This variant has not been reported in the literature in individuals affected with ETV6-related conditions. For these reasons, this variant has been classified as Pathogenic.

Literature cited by the submitters: PubMed 26102509; PubMed 27365488; PubMed 29034503.